The following is an entry in ClinVar:

NM_005188.4(CBL):c.779G>A (p.Ser260Asn)

Gene: CBL (Cbl proto-oncogene; plus strand). Cytogenetic location: 11q23.3.
Variant type: single nucleotide variant.
Coding change: c.779G>A on transcript NM_005188.4 (MANE Select); coding-DNA position 779, G replaced by A.
Protein change: p.Ser260Asn; replaces serine 260 with asparagine.
Molecular consequence: missense variant.
Genome position (GRCh38, 1-based): chr11:119,274,863, G>A. VCF-style: chr11-119274863-G-A. GRCh37 (hg19) VCF-style: chr11-119145573-G-A.
Other names: short protein forms S260N.
Identifiers: ClinVar variation 4868216 (VCV004868216.1).

ClinVar aggregate classification (germline): Uncertain significance (1 of 4 stars; one submission).

Conditions:
Cardiovascular phenotype. Identifiers: MedGen CN230736.

gnomAD v4.1: 1 of 1,613,356 alleles (0.000062%); highest among the groups gnomAD compares: Admixed American, 0.0017%; no homozygotes.

Submission:

Ambry Genetics
Classification: Uncertain significance for Cardiovascular phenotype. Last evaluated: 2026-04-04. Review status: criteria provided, single submitter. Criteria: Ambry Variant Classification Scheme 2023. Collection method: clinical testing. Allele origin: germline.
Comment: The p.S260N variant (also known as c.779G>A), located in coding exon 5 of the CBL gene, results from a G to A substitution at nucleotide position 779. The serine at codon 260 is replaced by asparagine, an amino acid with highly similar properties. This amino acid position is conserved. In addition, this alteration is predicted to be tolerated by in silico analysis. Based on the available evidence, the clinical significance of this variant remains unclear.